The following is an entry in ClinVar:

NM_001378183.1(PIEZO2):c.7326C>T (p.Tyr2442=)

Gene: PIEZO2 (piezo type mechanosensitive ion channel component 2; minus strand). Cytogenetic location: 18p11.22.
Variant type: single nucleotide variant.
Coding change: c.7326C>T on transcript NM_001378183.1 (MANE Select); coding-DNA position 7326, C replaced by T.
Protein change: p.Tyr2442=; no amino-acid change (tyrosine 2442 retained).
Molecular consequence: synonymous variant.
Genome position (GRCh38, 1-based): chr18:10,691,248, G>A on the plus strand (C>T on the coding strand, the complement: PIEZO2 is on the minus strand). VCF-style: chr18-10691248-G-A. GRCh37 (hg19) VCF-style: chr18-10691246-G-A.
Other names: c.6987C>T, p.Tyr2329= (NM_022068.4).
Identifiers: ClinVar variation 775114 (VCV000775114.41), dbSNP rs72970080, ClinGen allele CA8892025.

ClinVar aggregate classification (germline): Benign/Likely benign. Review status: criteria provided, multiple submitters, no conflicts (2 of 4 stars). 6 submissions from 6 submitters: Benign (2); Likely benign (4). Last evaluated 2026-06-01.

Allele frequency attached by ClinVar (database versions not stated): ESP Exome Variant Server 0.00331; gnomAD exomes 0.00422 and 0.00208; 1000 Genomes Project 30x 0.00078; 1000 Genomes Project 0.00080; ExAC 0.00209; gnomAD 0.00227 and 0.00237; TOPMed 0.00229.
gnomAD v4.1: 6,523 of 1,613,682 alleles (0.4%); highest among the groups gnomAD compares: Non-Finnish European, 0.51%; 19 homozygotes.

Submissions (6):

CeGaT Center for Human Genetics Tuebingen
Classification: Likely benign. Last evaluated: 2026-06-01. Review status: criteria provided, single submitter. Criteria: CeGaT Center For Human Genetics Tuebingen Variant Classification Criteria Version 2. Collection method: clinical testing. Allele origin: germline. Affected: yes. Observed: 9 variant alleles.
Comment: PIEZO2: BP4, BP7, BS2

Labcorp Genetics (formerly Invitae), Labcorp
Classification: Benign. Last evaluated: 2026-01-15. Review status: criteria provided, single submitter. Criteria: Invitae Variant Classification Sherloc (09022015). Collection method: clinical testing. Allele origin: germline.

Blueprint Genetics
Classification: Likely benign. Last evaluated: 2024-10-28. Review status: criteria provided, single submitter. Criteria: ACMG Guidelines, 2015. Collection method: clinical testing. Allele origin: germline.

ARUP Laboratories, Molecular Genetics and Genomics, ARUP Laboratories
Classification: Benign. Last evaluated: 2023-11-01. Review status: criteria provided, single submitter. Criteria: ARUP Molecular Germline Variant Investigation Process 2024. Collection method: clinical testing. Allele origin: germline.

GeneDx
Classification: Likely benign. Last evaluated: 2020-01-30. Review status: criteria provided, single submitter. Criteria: GeneDx Variant Classification Process June 2021. Collection method: clinical testing. Allele origin: germline. Affected: yes.

Breakthrough Genomics
Classification: Likely benign. Review status: criteria provided, single submitter. Criteria: ACMG Guidelines, 2015. Collection method: not provided. Allele origin: germline. Inheritance: Autosomal recessive inheritance. Affected: yes.